The following is an entry in ClinVar:

NM_021098.3(CACNA1H):c.3059C>T (p.Ala1020Val)

Gene: CACNA1H (calcium voltage-gated channel subunit alpha1 H; plus strand). Cytogenetic location: 16p13.3.
Variant type: single nucleotide variant.
Coding change: c.3059C>T on transcript NM_021098.3 (MANE Select); coding-DNA position 3059, C replaced by T.
Protein change: p.Ala1020Val; replaces alanine 1020 with valine.
Molecular consequence: missense variant.
Genome position (GRCh38, 1-based): chr16:1,207,426, C>T. VCF-style: chr16-1207426-C-T. GRCh37 (hg19) VCF-style: chr16-1257426-C-T.
Other names: c.3059C>T, p.Ala1020Val (NM_001005407.2); short protein forms A1020V.
Identifiers: ClinVar variation 2026123 (VCV002026123.5), dbSNP rs771994752, ClinGen allele CA7800561.

ClinVar aggregate classification (germline): Uncertain significance. Review status: criteria provided, multiple submitters, no conflicts (2 of 4 stars). 2 submissions from 2 submitters: Uncertain significance (2). Last evaluated 2025-05-11.

Conditions:
Hyperaldosteronism, familial, type IV (HALD4). Also called: FH IV; ALDOSTERONISM, PRIMARY, AND HYPERTENSION. Identifiers: Orphanet 642671, MedGen C4310756, MONDO:0014875, OMIM 617027.
Epilepsy, childhood absence, susceptibility to, 6. Identifiers: Orphanet 64280, MedGen C2749872, MONDO:0012763, OMIM 611942.
Idiopathic generalized epilepsy. Also called: Generalised epilepsy; EIG. Identifiers: MedGen C0270850, MONDO:0005579, OMIM 600669.

Allele frequency attached by ClinVar (database versions not stated): ExAC 0.00002.
gnomAD v4.1: 28 of 1,612,346 alleles (0.0017%); highest among the groups gnomAD compares: South Asian, 0.0055%; no homozygotes.

Submissions (2):

Labcorp Genetics (formerly Invitae), Labcorp
Classification: Uncertain significance for Idiopathic generalized epilepsy; Hyperaldosteronism, familial, type IV. Last evaluated: 2025-05-11. Review status: criteria provided, single submitter. Criteria: Invitae Variant Classification Sherloc (09022015). Collection method: clinical testing. Allele origin: germline.
Comment: This sequence change replaces alanine, which is neutral and non-polar, with valine, which is neutral and non-polar, at codon 1020 of the CACNA1H protein (p.Ala1020Val). This variant is present in population databases (rs771994752, gnomAD 0.009%). This variant has not been reported in the literature in individuals affected with CACNA1H-related conditions. ClinVar contains an entry for this variant (Variation ID: 2026123). Invitae Evidence Modeling of protein sequence and biophysical properties (such as structural, functional, and spatial information, amino acid conservation, physicochemical variation, residue mobility, and thermodynamic stability) has been performed for this missense variant. However, the output from this modeling did not meet the statistical confidence thresholds required to predict the impact of this variant on CACNA1H protein function. In summary, the available evidence is currently insufficient to determine the role of this variant in disease. Therefore, it has been classified as a Variant of Uncertain Significance.

Fulgent Genetics
Classification: Uncertain significance for Epilepsy, childhood absence, susceptibility to, 6; Hyperaldosteronism, familial, type IV. Last evaluated: 2024-06-20. Review status: criteria provided, single submitter. Criteria: ACMG Guidelines, 2015. Collection method: clinical testing. Allele origin: germline.